The following is an entry in ClinVar:

ClinVar aggregate classification (germline): Uncertain significance. Review status: criteria provided, multiple submitters, no conflicts (2 of 4 stars). 4 submissions from 4 submitters: Uncertain significance (3). 1 of the submissions does not count toward it. Last evaluated 2025-07-17.
ClinVar aggregate classification (somatic clinical impact): Tier III - Unknown (0 of 4 stars; one submission).

Conditions:
Breast-ovarian cancer, familial, susceptibility to, 1 (BROVCA1). Also called: BRCA1 Hereditary Breast and Ovarian Cancer; OVARIAN CANCER, SUSCEPTIBILITY TO. Identifiers: Orphanet 145, MedGen C2676676, MONDO:0011450, OMIM 604370. Disease mechanism: loss of function.
Hereditary cancer-predisposing syndrome. Also called: Tumor predisposition; Neoplastic Syndromes, Hereditary; Hereditary Cancer Syndrome; Hereditary neoplastic syndrome. Identifiers: Orphanet 140162, MedGen C0027672, MeSH D009386, MONDO:0015356.
Hereditary breast ovarian cancer syndrome. Also called: Hereditary breast and ovarian cancer; Hereditary breast and ovarian cancer syndrome; Hereditary breast and ovarian cancer syndrome (HBOC); Breast and ovarian cancer; BRCA1- and BRCA2-Associated Hereditary Breast and Ovarian Cancer; Hereditary breast and/or ovarian cancer syndrome. Identifiers: Orphanet 145, MedGen C0677776, MeSH D061325, MONDO:0003582. Disease mechanism: loss of function.
Familial cancer of breast. Also called: hereditary breast carcinoma; BREAST CANCER, FAMILIAL; Hereditary breast cancer. Identifiers: Orphanet 227535, MedGen C0346153, MONDO:0016419, OMIM 114480. Disease mechanism: loss of function.

Allele frequency attached by ClinVar (database versions not stated): gnomAD exomes below 0.00001.

Submissions (5):

Labcorp Genetics (formerly Invitae), Labcorp
Classification: Uncertain significance for Hereditary breast ovarian cancer syndrome. Last evaluated: 2025-07-17. Review status: criteria provided, single submitter. Criteria: Invitae Variant Classification Sherloc (09022015). Collection method: clinical testing. Allele origin: germline.
Comment: This variant, c.401_403dup, results in the insertion of 1 amino acid(s) of the BRCA1 protein (p.Ala134_Lys135insThr), but otherwise preserves the integrity of the reading frame. This variant is not present in population databases (gnomAD no frequency). This variant has not been reported in the literature in individuals affected with BRCA1-related conditions. ClinVar contains an entry for this variant (Variation ID: 548912). Experimental studies and prediction algorithms are not available or were not evaluated, and the functional significance of this variant is currently unknown. In summary, the available evidence is currently insufficient to determine the role of this variant in disease. Therefore, it has been classified as a Variant of Uncertain Significance.

Blueprint Genetics
Classification: Uncertain significance. Last evaluated: 2024-01-22. Review status: criteria provided, single submitter. Criteria: ACMG Guidelines, 2015. Collection method: clinical testing. Allele origin: germline.

Ambry Genetics
Classification: Uncertain significance for Hereditary cancer-predisposing syndrome. Last evaluated: 2020-06-23. Review status: criteria provided, single submitter. Criteria: Ambry Variant Classification Scheme 2023. Collection method: clinical testing. Allele origin: germline.
Comment: The c.401_403dupCCA variant (also known as p.A134_K135insT), located in coding exon 5 of the BRCA1 gene, results from an in-frame duplication of CCA at nucleotide positions 401 to 403. This results in the insertion of a threonine residue between codons 134 and 135. This alteration is predicted to be neutral by in silico analysis (Choi Y et al. PLoS ONE. 2012; 7(10):e46688). Since supporting evidence is limited at this time, the clinical significance of this alteration remains unclear.

Counsyl
Classification: Uncertain significance for Breast-ovarian cancer, familial, susceptibility to, 1. Last evaluated: 2018-05-16. Review status: no assertion criteria provided. Collection method: clinical testing. Allele origin: unknown. Not counted in ClinVar's aggregate classification.

Faculté Pluridciplinaire Nador, Université Mohamed Premier
Classification: Tier III - Unknown for Familial cancer of breast. Review status: no assertion criteria provided. Collection method: research. Allele origin: somatic. Affected: yes.
Comment: The following databases and algorithms are used to annotate and evaluate the impact of the variant in the context of human disease: 1000 genomes, gnomAD, ClinVar, OMIM, dbSNP, NCIB RefSeq Genes, ExAC Gene Constraints, VS-SIFT, VS-PolyPhen2, PhyloP, GERP++, GeneSplicer, MaxEntScan, NNSplice, PWM Splice Predictor.

NM_007294.4(BRCA1):c.401_403dup (p.Ala134_Lys135insThr)

Gene: BRCA1 (BRCA1 DNA repair associated; minus strand). Cytogenetic location: 17q21.31.
Variant type: Duplication.
Coding change: c.401_403dup on transcript NM_007294.4 (MANE Select); coding-DNA positions 401 to 403, 3 bases duplicated (CCA; older notation c.401_403dupCCA).
Protein change: p.Ala134_Lys135insThr.
Molecular consequence: inframe insertion. On other transcripts: inframe indel (364), non-coding transcript variant (1).
Genome position (GRCh38, 1-based): chr17:43,104,160-43,104,162, TGG duplicated on the plus strand (CCA on the coding strand, the reverse complement: BRCA1 is on the minus strand). VCF-style (leftmost placement, unchanged base first): chr17-43104159-T-TTGG. GRCh37 (hg19) VCF-style: chr17-41256176-T-TTGG.
Other names: c.401_403dupCCA (NM_007294.3, NM_007294.4); c.191_193dup, p.Ala64_Lys65insThr (NM_001408506.1, NM_001408507.1, NM_001408508.1 and 58 more transcripts); c.20_22dup, p.Ala7_Lys8insThr (NM_001408510.1, NM_001408512.1, NM_001407959.1 and 4 more transcripts); c.260_262dup, p.Ala87_Lys88insThr (NM_001408511.1, NM_007297.4, NM_001407692.1 and 99 more transcripts); c.401_403dup, p.Ala134_Lys135insThr (NM_007298.4, NM_007299.4, NM_007300.4 and 165 more transcripts); c.392_394dup, p.Ala131_Lys132insThr (NM_001407646.1, NM_001407647.1, NM_001408408.1); c.323_325dup, p.Ala108_Lys109insThr (NM_001407653.1, NM_001407654.1, NM_001407655.1 and 21 more transcripts); c.269_271dup, p.Ala90_Lys91insThr (NM_001408451.1).
Identifiers: ClinVar variation 548912 (VCV000548912.16), dbSNP rs1555596338, ClinGen allele CA658824562.